The following is an entry in ClinVar:

NM_080476.5(PIGU):c.997G>C (p.Gly333Arg)

Gene: PIGU (phosphatidylinositol glycan anchor biosynthesis class U; minus strand). Cytogenetic location: 20q11.22.
Variant type: single nucleotide variant.
Coding change: c.997G>C on transcript NM_080476.5 (MANE Select); coding-DNA position 997, G replaced by C.
Protein change: p.Gly333Arg; replaces glycine 333 with arginine.
Molecular consequence: missense variant.
Genome position (GRCh38, 1-based): chr20:34,581,602, C>G on the plus strand (G>C on the coding strand, the complement: PIGU is on the minus strand). VCF-style: chr20-34581602-C-G. GRCh37 (hg19) VCF-style: chr20-33169406-C-G.
Other names: short protein forms G333R.
Identifiers: ClinVar variation 985587 (VCV000985587.4), dbSNP rs1983468883, ClinGen allele CA408666733.

ClinVar aggregate classification (germline): Uncertain significance (1 of 4 stars; one submission).

Conditions:
Inborn genetic diseases. Identifiers: MedGen C0950123, MeSH D030342.

Allele frequency attached by ClinVar (database versions not stated): gnomAD exomes below 0.00001.
gnomAD v4.1: 1 of 1,614,022 alleles (0.000062%); highest among the groups gnomAD compares: South Asian, 0.0011%; no homozygotes.

Submission:

Ambry Genetics
Classification: Uncertain significance for Inborn genetic diseases. Last evaluated: 2020-05-05. Review status: criteria provided, single submitter. Criteria: Ambry Variant Classification Scheme 2023. Collection method: clinical testing. Allele origin: germline.
Comment: The alteration results in an amino acid change:_x000D_ _x000D_ The c.997G>C (p.G333R) alteration is located in exon 10 (coding exon 10) of the PIGU gene. This alteration results from a G to C substitution at nucleotide position 997, causing the glycine (G) at amino acid position 333 to be replaced by an arginine (R). The alteration is not observed in population databases: _x000D_ _x000D_ Based on data from the Genome Aggregation Database (gnomAD), the PIGU c.997G>C alteration was not observed, with coverage at this position. The altered amino acid is conserved throughout evolution:_x000D_ _x000D_ The p.G333 amino acid is conserved in available vertebrate species. The alteration is predicted inconclusive by in silico modeling:_x000D_ _x000D_ The in silico prediction for the p.G333R alteration is inconclusive. Based on insufficient or conflicting evidence, the clinical significance of this alteration remains unclear.